The following is an entry in ClinVar:

NM_020778.5(ALPK3):c.4955T>C (p.Leu1652Pro)

Gene: ALPK3 (alpha kinase 3; plus strand). Cytogenetic location: 15q25.3.
Variant type: single nucleotide variant.
Coding change: c.4955T>C on transcript NM_020778.5 (MANE Select); coding-DNA position 4955, T replaced by C.
Protein change: p.Leu1652Pro; replaces leucine 1652 with proline.
Molecular consequence: missense variant.
Genome position (GRCh38, 1-based): chr15:84,868,293, T>C. VCF-style: chr15-84868293-T-C. GRCh37 (hg19) VCF-style: chr15-85411524-T-C.
Other names: short protein forms L1652P.
Identifiers: ClinVar variation 1748314 (VCV001748314.2), dbSNP rs2505733578, ClinGen allele CA393366006.

ClinVar aggregate classification (germline): Uncertain significance (1 of 4 stars; one submission).

Conditions:
Cardiovascular phenotype. Identifiers: MedGen CN230736.

Submission:

Ambry Genetics
Classification: Uncertain significance for Cardiovascular phenotype. Last evaluated: 2022-02-14. Review status: criteria provided, single submitter. Criteria: Ambry Variant Classification Scheme 2023. Collection method: clinical testing. Allele origin: germline.
Comment: The p.L1854P variant (also known as c.5561T>C), located in coding exon 14 of the ALPK3 gene, results from a T to C substitution at nucleotide position 5561. The leucine at codon 1854 is replaced by proline, an amino acid with similar properties. This amino acid position is conserved. In addition, this alteration is predicted to be tolerated by in silico analysis. Since supporting evidence is limited at this time, the clinical significance of this alteration remains unclear.